The following is an entry in ClinVar:

NM_015295.3(SMCHD1):c.3209T>C (p.Ile1070Thr)

Gene: SMCHD1 (structural maintenance of chromosomes flexible hinge domain containing 1; plus strand). Cytogenetic location: 18p11.32.
Variant type: single nucleotide variant.
Coding change: c.3209T>C on transcript NM_015295.3 (MANE Select); coding-DNA position 3209, T replaced by C.
Protein change: p.Ile1070Thr; replaces isoleucine 1070 with threonine.
Molecular consequence: missense variant.
Genome position (GRCh38, 1-based): chr18:2,732,425, T>C. VCF-style: chr18-2732425-T-C. GRCh37 (hg19) VCF-style: chr18-2732423-T-C.
Other names: short protein forms I1070T.
Identifiers: ClinVar variation 286021 (VCV000286021.40), dbSNP rs113434340, ClinGen allele CA8871151.

ClinVar aggregate classification (germline): Conflicting classifications of pathogenicity. Review status: criteria provided, conflicting classifications (1 of 4 stars). 8 submissions from 8 submitters: Uncertain significance (5); Likely benign (2). 1 of the submissions does not count toward it. Last evaluated 2026-02-02.

Conditions:
Facioscapulohumeral muscular dystrophy 2 (FSHD2). Also called: MUSCULAR DYSTROPHY, FACIOSCAPULOHUMERAL, TYPE 1B; FACIOSCAPULOHUMERAL MUSCULAR DYSTROPHY 2, DIGENIC; FSHD2, DIGENIC. Identifiers: Orphanet 269, MedGen C1834671, MONDO:0008031, OMIM 158901.
Scapulohumeral muscular dystrophy. Identifiers: Orphanet 269, MedGen C0410192, MONDO:0010884, OMIM 600416, HP:0008970.

Allele frequency attached by ClinVar (database versions not stated): 1000 Genomes Project 30x 0.00016; gnomAD exomes 0.00016 and 0.00026; TOPMed 0.00018; ExAC 0.00019; 1000 Genomes Project 0.00020; gnomAD 0.00025 and 0.00026.
gnomAD v4.1: 262 of 1,612,976 alleles (0.016%); highest among the groups gnomAD compares: Admixed American, 0.018%; no homozygotes.

Submissions (8):

Labcorp Genetics (formerly Invitae), Labcorp
Classification: Uncertain significance for Facioscapulohumeral muscular dystrophy 2. Last evaluated: 2026-02-02. Review status: criteria provided, single submitter. Criteria: Invitae Variant Classification Sherloc (09022015). Collection method: clinical testing. Allele origin: germline.
Comment: This sequence change replaces isoleucine, which is neutral and non-polar, with threonine, which is neutral and polar, at codon 1070 of the SMCHD1 protein (p.Ile1070Thr). This variant is present in population databases (rs113434340, gnomAD 0.1%), and has an allele count higher than expected for a pathogenic variant. This missense change has been observed in individual(s) with clinical features of muscular dystrophy (PMID: 32528171). ClinVar contains an entry for this variant (Variation ID: 286021). Invitae Evidence Modeling of protein sequence and biophysical properties (such as structural, functional, and spatial information, amino acid conservation, physicochemical variation, residue mobility, and thermodynamic stability) indicates that this missense variant is not expected to disrupt SMCHD1 protein function with a negative predictive value of 80%. In summary, the available evidence is currently insufficient to determine the role of this variant in disease. Therefore, it has been classified as a Variant of Uncertain Significance.

CeGaT Center for Human Genetics Tuebingen
Classification: Uncertain significance. Last evaluated: 2025-07-01. Review status: criteria provided, single submitter. Criteria: CeGaT Center For Human Genetics Tuebingen Variant Classification Criteria Version 2. Collection method: clinical testing. Allele origin: germline. Affected: yes. Observed: 3 variant alleles.
Comment: SMCHD1: PM2

Laboratory of Genetics, Children's Clinical University Hospital Latvia
Classification: Likely benign. Last evaluated: 2025-02-16. Review status: criteria provided, single submitter. Criteria: ACMG Guidelines, 2015. Collection method: clinical testing. Allele origin: germline. Affected: yes.

Athena Diagnostics
Classification: Uncertain significance. Last evaluated: 2025-01-08. Review status: criteria provided, single submitter. Criteria: Athena Diagnostics Criteria. Collection method: clinical testing. Allele origin: unknown.
Comment: Available data are insufficient to determine the clinical significance of the variant at this time. The frequency of this variant in the general population is higher than would generally be expected for pathogenic variants in this gene. Polyphen and MutationTaster yielded discordant predictions regarding whether this amino acid change is damaging to the protein.

Blueprint Genetics
Classification: Likely benign. Last evaluated: 2024-11-21. Review status: criteria provided, single submitter. Criteria: ACMG Guidelines, 2015. Collection method: clinical testing. Allele origin: germline.

Revvity Omics, Revvity
Classification: Uncertain significance. Last evaluated: 2024-02-21. Review status: criteria provided, single submitter. Criteria: ACMG Guidelines, 2015. Collection method: clinical testing. Allele origin: germline.

Eurofins Ntd Llc (ga)
Classification: Uncertain significance. Last evaluated: 2016-10-20. Review status: criteria provided, single submitter. Criteria: EGL Classification Definitions 2015. Collection method: clinical testing. Allele origin: germline. Observed: 3 variant alleles, 3 heterozygotes.

Institute of Human Genetics, University of Wuerzburg
Classification: Uncertain significance for Scapulohumeral muscular dystrophy. Review status: no assertion criteria provided. Collection method: clinical testing. Allele origin: unknown. Not counted in ClinVar's aggregate classification.

Literature cited by the submitters: PubMed 32528171 (cited by Labcorp Genetics (formerly Invitae), Labcorp and Athena Diagnostics); PubMed 31604776 (cited by Athena Diagnostics); T:\Sequencing\Sequencing Data for Analysis\SMCHD1\SMCHD1 variant interpretation guideline.docx (cited by Eurofins Ntd Llc (ga)).